The following is an entry in ClinVar:

ClinVar aggregate classification (germline): Uncertain significance (1 of 4 stars; one submission).

Allele frequency attached by ClinVar (database versions not stated): gnomAD 0.00001.
gnomAD v4.1: 1 of 1,579,870 alleles (0.000063%); no homozygotes.

Submission:

Labcorp Genetics (formerly Invitae), Labcorp
Classification: Uncertain significance. Last evaluated: 2022-08-21. Review status: criteria provided, single submitter. Criteria: Invitae Variant Classification Sherloc (09022015). Collection method: clinical testing. Allele origin: germline.
Comment: This variant has not been reported in the literature in individuals affected with C8orf37-related conditions. In summary, the available evidence is currently insufficient to determine the role of this variant in disease. Therefore, it has been classified as a Variant of Uncertain Significance. Algorithms developed to predict the effect of missense changes on protein structure and function (SIFT, PolyPhen-2, Align-GVGD) all suggest that this variant is likely to be tolerated. This variant is not present in population databases (gnomAD no frequency). This sequence change replaces serine, which is neutral and polar, with alanine, which is neutral and non-polar, at codon 81 of the C8orf37 protein (p.Ser81Ala).

NM_177965.4(CFAP418):c.241T>G (p.Ser81Ala)

Gene: CFAP418 (cilia and flagella associated protein 418; minus strand). Cytogenetic location: 8q22.1.
Variant type: single nucleotide variant.
Coding change: c.241T>G on transcript NM_177965.4 (MANE Select); coding-DNA position 241, T replaced by G.
Protein change: p.Ser81Ala; replaces serine 81 with alanine.
Molecular consequence: missense variant.
Genome position (GRCh38, 1-based): chr8:95,263,689, A>C on the plus strand (T>G on the coding strand, the complement: CFAP418 is on the minus strand). VCF-style: chr8-95263689-A-C. GRCh37 (hg19) VCF-style: chr8-96275917-A-C.
Other names: c.241T>G, p.Ser81Ala (NM_001363260.1); short protein forms S81A.
Identifiers: ClinVar variation 2048948 (VCV002048948.4), dbSNP rs1811929259, ClinGen allele CA371837512.
Genomic context (GRCh38, chr8:95,263,689, plus strand): 5'-TCTAAACATGTCTTGAAATAATGACAGAATTACTACATATTTATAACACTTGACTTACAG[A>C]GGGTTTTTTGTCCAAGTTGGGCTCTTCAAGTATTTCATTAATAAGACTGTCAAGATCATC-3'
Protein context (NP_808880.1, residues 71-91): LEEPNLDKKP[Ser81Ala]KLKSKSSGNT